The following is an entry in ClinVar:

NM_004187.5(KDM5C):c.3863G>A (p.Trp1288Ter)

Gene: KDM5C (lysine demethylase 5C; minus strand). Cytogenetic location: Xp11.22.
Variant type: single nucleotide variant.
Coding change: c.3863G>A on transcript NM_004187.5 (MANE Select); coding-DNA position 3863, G replaced by A.
Protein change: p.Trp1288Ter; replaces tryptophan 1288 with a stop codon.
Molecular consequence: nonsense. On other transcripts: non-coding transcript variant (3).
Genome position (GRCh38, 1-based): chrX:53,194,314, C>T on the plus strand (G>A on the coding strand, the complement: KDM5C is on the minus strand). VCF-style: chrX-53194314-C-T. GRCh37 (hg19) VCF-style: chrX-53223496-C-T.
Other names: c.3662G>A, p.Trp1221Ter (NM_001146702.2); c.3860G>A, p.Trp1287Ter (NM_001282622.3, NM_001353979.2, NM_001353982.2); c.3863G>A, p.Trp1288Ter (NM_001353978.3, NM_001353981.2, NM_001353984.2); short protein forms W1221*, W1287*, W1288*.
Identifiers: ClinVar variation 3863519 (VCV003863519.1).

ClinVar aggregate classification (germline): Pathogenic (1 of 4 stars; one submission).

Conditions:
Inborn genetic diseases. Identifiers: MedGen C0950123, MeSH D030342.

Submission:

Ambry Genetics
Classification: Pathogenic for Inborn genetic diseases. Last evaluated: 2025-01-28. Review status: criteria provided, single submitter. Criteria: Ambry Variant Classification Scheme 2023. Collection method: clinical testing. Allele origin: germline.
Comment: The c.3863G>A (p.W1288*) alteration, located in exon 23 (coding exon 23) of the KDM5C gene, consists of a G to A substitution at nucleotide position 3863. This changes the amino acid from a tryptophan (W) to a stop codon at amino acid position 1288. This alteration is expected to result in loss of function by premature protein truncation or nonsense-mediated mRNA decay. This variant was not reported in population-based cohorts in the Genome Aggregation Database (gnomAD). This variant was reported as heterozygous de novo in at least one individual with features consistent with KDM5C-related neurodevelopmental disorder (Dong, 2020). Based on the available evidence, this alteration is classified as pathogenic.

Literature cited by the submitters: PubMed 32005694.